The following is an entry in ClinVar:

NM_001003787.4(STRADA):c.581+3G>A

Genes: STRADA (STE20 related adaptor alpha; minus strand), LOC125312417 (Sharpr-MPRA regulatory region 9817; plus strand). Cytogenetic location: 17q23.3.
Variant type: single nucleotide variant.
Coding change: c.581+3G>A on transcript NM_001003787.4 (MANE Select); 3 bases into the intron after coding-DNA position 581, G replaced by A.
Molecular consequence: intron variant.
Genome position (GRCh38, 1-based): chr17:63,710,488, C>T on the plus strand (G>A on the coding strand, the complement: STRADA is on the minus strand). VCF-style: chr17-63710488-C-T. GRCh37 (hg19) VCF-style: chr17-61787848-C-T.
Other names: c.470+3G>A (NM_001363789.1, NM_001003786.3, NM_153335.6); c.407+3G>A (NM_001363790.1, NM_001363791.1, NM_001003788.3); c.557+3G>A (NM_001363786.1); c.494+3G>A (NM_001165969.2, NM_001363787.1); c.449+3G>A (NM_001165970.2); c.581+3G>A (NM_001363788.1).
Identifiers: ClinVar variation 2096201 (VCV002096201.4), dbSNP rs1370153885, ClinGen allele CA626850630.
Genomic context (GRCh38, chr17:63,710,488, plus strand): 5'-ACCTGAAGGCTCAGGGGCATAGCTACCCACTGTAATCATGGGAAAGGCCGCCTAAGAACG[C>T]ACCTGTGTACATATCCCATGTGGTGGATGTAGTCGAGGGCCTTCAGCACCCCCTGCAGGA-3'

ClinVar aggregate classification (germline): Uncertain significance (1 of 4 stars; one submission).

Conditions:
Polyhydramnios, megalencephaly, and symptomatic epilepsy (PMSE). Also called: PMSE SYNDROME. Identifiers: Orphanet 500533, MedGen C1970203, MONDO:0012611, OMIM 611087.

Allele frequency attached by ClinVar (database versions not stated): gnomAD exomes below 0.00001; TOPMed 0.00001.
gnomAD v4.1: 1 of 1,613,408 alleles (0.000062%); highest among the groups gnomAD compares: Admixed American, 0.0017%; no homozygotes.

Submission:

Labcorp Genetics (formerly Invitae), Labcorp
Classification: Uncertain significance for Polyhydramnios, megalencephaly, and symptomatic epilepsy. Last evaluated: 2022-02-10. Review status: criteria provided, single submitter. Criteria: Invitae Variant Classification Sherloc (09022015). Collection method: clinical testing. Allele origin: germline.
Comment: In summary, the available evidence is currently insufficient to determine the role of this variant in disease. Therefore, it has been classified as a Variant of Uncertain Significance. Variants that disrupt the consensus splice site are a relatively common cause of aberrant splicing (PMID: 17576681, 9536098). Algorithms developed to predict the effect of sequence changes on RNA splicing suggest that this variant is not likely to affect RNA splicing. This variant has not been reported in the literature in individuals affected with STRADA-related conditions. This variant is present in population databases (no rsID available, gnomAD 0.003%). This sequence change falls in intron 8 of the STRADA gene. It does not directly change the encoded amino acid sequence of the STRADA protein. It affects a nucleotide within the consensus splice site.

Literature cited by the submitters: PubMed 17576681; PubMed 9536098.